The following is an entry in ClinVar:

ClinVar aggregate classification (germline): Uncertain significance (1 of 4 stars; one submission).

Conditions:
Neuropathy, hereditary sensory and autonomic, type 2A (HSAN2A). Also called: ACROOSTEOLYSIS, GIACCAI TYPE; ACROOSTEOLYSIS, NEUROGENIC; MORVAN DISEASE; NEUROPATHY, CONGENITAL SENSORY; NEUROPATHY, HEREDITARY SENSORY RADICULAR, AUTOSOMAL RECESSIVE; NEUROPATHY, HEREDITARY SENSORY, TYPE IIA. Identifiers: Orphanet 970, MedGen C2752089, MONDO:0024309, OMIM 201300.
Generalized epilepsy with febrile seizures plus, type 7 (GEFSP7). Also called: GEFS+, TYPE 7. Identifiers: Orphanet 36387, MedGen C2751778, MONDO:0013470, OMIM 613863.

Allele frequency attached by ClinVar (database versions not stated): gnomAD exomes below 0.00001.
gnomAD v4.1: 1 of 1,614,202 alleles (0.000062%); highest among the groups gnomAD compares: South Asian, 0.0011%; no homozygotes.

Submission:

Labcorp Genetics (formerly Invitae), Labcorp
Classification: Uncertain significance for Neuropathy, hereditary sensory and autonomic, type 2A; Generalized epilepsy with febrile seizures plus, type 7. Last evaluated: 2023-11-03. Review status: criteria provided, single submitter. Criteria: Invitae Variant Classification Sherloc (09022015). Collection method: clinical testing. Allele origin: germline.
Comment: This sequence change replaces leucine, which is neutral and non-polar, with phenylalanine, which is neutral and non-polar, at codon 1803 of the SCN9A protein (p.Leu1803Phe). This variant is not present in population databases (gnomAD no frequency). This variant has not been reported in the literature in individuals affected with SCN9A-related conditions. Advanced modeling of protein sequence and biophysical properties (such as structural, functional, and spatial information, amino acid conservation, physicochemical variation, residue mobility, and thermodynamic stability) performed at Invitae indicates that this missense variant is not expected to disrupt SCN9A protein function with a negative predictive value of 95%. In summary, the available evidence is currently insufficient to determine the role of this variant in disease. Therefore, it has been classified as a Variant of Uncertain Significance.

NM_001365536.1(SCN9A):c.5440C>T (p.Leu1814Phe)

Genes: SCN9A (sodium voltage-gated channel alpha subunit 9; minus strand), SCN1A-AS1 (SCN1A and SCN9A antisense RNA 1; plus strand). Cytogenetic location: 2q24.3.
Variant type: single nucleotide variant.
Coding change: c.5440C>T on transcript NM_001365536.1 (MANE Select); coding-DNA position 5440, C replaced by T.
Protein change: p.Leu1814Phe; replaces leucine 1814 with phenylalanine.
Molecular consequence: missense variant.
Genome position (GRCh38, 1-based): chr2:166,199,199, G>A on the plus strand (C>T on the coding strand, the complement: SCN9A is on the minus strand). VCF-style: chr2-166199199-G-A. GRCh37 (hg19) VCF-style: chr2-167055709-G-A.
Other names: c.5407C>T, p.Leu1803Phe (NM_002977.4); short protein forms L1814F, L1803F.
Identifiers: ClinVar variation 2951110 (VCV002951110.3), dbSNP rs2468876259, ClinGen allele CA349052818.